The following is an entry in ClinVar:

ClinVar aggregate classification (germline): Uncertain significance (1 of 4 stars; one submission).

Conditions:
Inborn genetic diseases. Identifiers: MedGen C0950123, MeSH D030342.

Submission:

Ambry Genetics
Classification: Uncertain significance for Inborn genetic diseases. Last evaluated: 2025-09-20. Review status: criteria provided, single submitter. Criteria: Ambry Variant Classification Scheme 2023. Collection method: clinical testing. Allele origin: germline.
Comment: The p.D167Y variant (also known as c.499G>T), located in coding exon 1 of the SAMD9 gene, results from a G to T substitution at nucleotide position 499. The aspartic acid at codon 167 is replaced by tyrosine, an amino acid with highly dissimilar properties. This amino acid position is conserved. In addition, this alteration is predicted to be tolerated by in silico analysis. Based on the available evidence, the clinical significance of this variant remains unclear.

NM_017654.4(SAMD9):c.499G>T (p.Asp167Tyr)

Gene: SAMD9 (sterile alpha motif domain containing 9; minus strand). Cytogenetic location: 7q21.2.
Variant type: single nucleotide variant.
Coding change: c.499G>T on transcript NM_017654.4 (MANE Select); coding-DNA position 499, G replaced by T.
Protein change: p.Asp167Tyr; replaces aspartic acid 167 with tyrosine.
Molecular consequence: missense variant.
Genome position (GRCh38, 1-based): chr7:93,105,599, C>A on the plus strand (G>T on the coding strand, the complement: SAMD9 is on the minus strand). VCF-style: chr7-93105599-C-A. GRCh37 (hg19) VCF-style: chr7-92734912-C-A.
Other names: c.499G>T, p.Asp167Tyr (NM_001193307.2); short protein forms D167Y.
Identifiers: ClinVar variation 4629807 (VCV004629807.1).